The following is an entry in ClinVar:

NM_000222.3(KIT):c.1674G>A (p.Lys558=)

Gene: KIT (KIT proto-oncogene, receptor tyrosine kinase; plus strand). Cytogenetic location: 4q12.
Variant type: single nucleotide variant.
Coding change: c.1674G>A on transcript NM_000222.3 (MANE Select); coding-DNA position 1674, G replaced by A.
Protein change: p.Lys558=; no amino-acid change (lysine 558 retained).
Molecular consequence: synonymous variant.
Genome position (GRCh38, 1-based): chr4:54,727,442, G>A. VCF-style: chr4-54727442-G-A. GRCh37 (hg19) VCF-style: chr4-55593608-G-A.
Other names: p.Lys558=; c.1662G>A, p.Lys554= (NM_001093772.2, NM_001385286.1); c.1677G>A, p.Lys559= (NM_001385284.1, NM_001385290.1); c.1674G>A, p.Lys558= (NM_001385285.1); c.1665G>A, p.Lys555= (NM_001385288.1, NM_001385292.1).
Identifiers: ClinVar variation 220634 (VCV000220634.52), dbSNP rs200375589, ClinGen allele CA349845.

ClinVar aggregate classification (germline): Conflicting classifications of pathogenicity. Review status: criteria provided, conflicting classifications (1 of 4 stars). 10 submissions from 8 submitters: Uncertain significance (2); Benign (1); Likely benign (6). 1 of the submissions does not count toward it. Last evaluated 2026-06-04.

Conditions:
KIT-related disorder. Also called: KIT-related condition.
Hereditary cancer-predisposing syndrome. Also called: Neoplastic Syndromes, Hereditary; Hereditary Cancer Syndrome; Tumor predisposition; Hereditary neoplastic syndrome. Identifiers: Orphanet 140162, MedGen C0027672, MeSH D009386, MONDO:0015356.
Mastocytosis. Also called: Mast Cell Disease. Identifiers: Orphanet 98292, MedGen C0024899, MONDO:0007950, HP:0100495.
Gastrointestinal stromal tumor. Also called: Gastrointestinal stromal tumor, somatic; Gastrointestinal stroma tumor. Identifiers: Orphanet 44890, MedGen C0238198, MeSH D046152, MONDO:0011719, OMIM 606764, HP:0100723.
Piebaldism. Also called: Piebald skin depigmentation. Identifiers: Orphanet 2884, MedGen C0080024, MONDO:0008244, OMIM 172800, HP:0007544.

Allele frequency attached by ClinVar (database versions not stated): gnomAD exomes 0.00006 and 0.00011; ExAC 0.00008; TOPMed 0.00012; 1000 Genomes Project 30x 0.00016; gnomAD 0.00016; 1000 Genomes Project 0.00020.

Submissions (10):

Myriad Genetics, Inc.
Classification: Benign for Gastrointestinal stromal tumor. Last evaluated: 2026-06-04. Review status: criteria provided, single submitter. Criteria: Myriad Autosomal Dominant, Autosomal Recessive and X-Linked Classification Criteria (2023). Collection method: clinical testing. Allele origin: unknown.
Comment: This variant is considered benign. This variant is a silent/synonymous amino acid change and it is not expected to impact splicing.

Labcorp Genetics (formerly Invitae), Labcorp
Classification: Likely benign for Gastrointestinal stromal tumor. Last evaluated: 2026-01-27. Review status: criteria provided, single submitter. Criteria: Invitae Variant Classification Sherloc (09022015). Collection method: clinical testing. Allele origin: germline.

Mayo Clinic Laboratories, Mayo Clinic
Classification: Likely benign. Last evaluated: 2025-11-22. Review status: criteria provided, single submitter. Criteria: ACMG Guidelines, 2015. Collection method: clinical testing. Allele origin: germline. Observed: 1 variant allele.
Comment: BP4, BP7

CeGaT Center for Human Genetics Tuebingen
Classification: Likely benign. Last evaluated: 2023-01-01. Review status: criteria provided, single submitter. Criteria: CeGaT Center For Human Genetics Tuebingen Variant Classification Criteria Version 2. Collection method: clinical testing. Allele origin: germline. Affected: yes. Observed: 1 variant allele.
Comment: KIT: BP4, BP7

Sema4
Classification: Likely benign for Hereditary cancer-predisposing syndrome. Last evaluated: 2020-11-19. Review status: criteria provided, single submitter. Criteria: Sema4 Curation Guidelines. Collection method: curation. Allele origin: germline.

Ambry Genetics
Classification: Likely benign for Hereditary cancer-predisposing syndrome. Last evaluated: 2018-09-19. Review status: criteria provided, single submitter. Criteria: Ambry Variant Classification Scheme 2023. Collection method: clinical testing. Allele origin: germline.

Illumina Laboratory Services, Illumina
Classification: Uncertain significance for Gastrointestinal stromal tumor. Last evaluated: 2018-01-12. Review status: criteria provided, single submitter. Criteria: ICSL Variant Classification Criteria 13 December 2019. Collection method: clinical testing. Allele origin: germline.

Illumina Laboratory Services, Illumina
Classification: Uncertain significance for Piebaldism. Last evaluated: 2018-01-12. Review status: criteria provided, single submitter. Criteria: ICSL Variant Classification Criteria 13 December 2019. Collection method: clinical testing. Allele origin: germline.

Illumina Laboratory Services, Illumina
Classification: Likely benign for Cutaneous mastocytosis. Last evaluated: 2018-01-12. Review status: criteria provided, single submitter. Criteria: ICSL Variant Classification Criteria 13 December 2019. Collection method: clinical testing. Allele origin: germline.
Comment: This variant was observed in the ICSL laboratory as part of a predisposition screen in an ostensibly healthy population. It had not been previously curated by ICSL or reported in the Human Gene Mutation Database (HGMD: prior to June 1st, 2018), and was therefore a candidate for classification through an automated scoring system. Utilizing variant allele frequency, disease prevalence and penetrance estimates, and inheritance mode, an automated score was calculated to assess if this variant is too frequent to cause the disease. Based on the score and internal cut-off values, a variant classified as likely benign is not then subjected to further curation. The score for this variant resulted in a classification of likely benign for this disease.

PreventionGenetics, part of Exact Sciences
Classification: Likely benign for KIT-related condition. Last evaluated: 2023-03-14. Review status: no assertion criteria provided. Collection method: clinical testing. Allele origin: germline. Not counted in ClinVar's aggregate classification.
Comment: This variant is classified as likely benign based on ACMG/AMP sequence variant interpretation guidelines (Richards et al. 2015 PMID: 25741868, with internal and published modifications).